The following is an entry in ClinVar:

NM_006019.4(TCIRG1):c.1052G>A (p.Arg351His)

Gene: TCIRG1 (T cell immune regulator 1, ATPase H+ transporting V0 subunit a3; plus strand). Cytogenetic location: 11q13.2.
Variant type: single nucleotide variant.
Coding change: c.1052G>A on transcript NM_006019.4 (MANE Select); coding-DNA position 1052, G replaced by A.
Protein change: p.Arg351His; replaces arginine 351 with histidine.
Molecular consequence: missense variant.
Genome position (GRCh38, 1-based): chr11:68,044,989, G>A. VCF-style: chr11-68044989-G-A. GRCh37 (hg19) VCF-style: chr11-67812456-G-A.
Other names: c.158G>A, p.Arg53His (NM_001351059.2); c.404G>A, p.Arg135His (NM_006053.4); short protein forms R351H, R135H, R53H.
Identifiers: ClinVar variation 634484 (VCV000634484.8), dbSNP rs758621844, ClinGen allele CA6146926.

ClinVar aggregate classification (germline): Uncertain significance. Review status: criteria provided, multiple submitters, no conflicts (2 of 4 stars). 3 submissions from 3 submitters: Uncertain significance (3). Last evaluated 2025-03-18.

Conditions:
Inborn genetic diseases. Identifiers: MedGen C0950123, MeSH D030342.
Autosomal recessive osteopetrosis 1. Also called: ALBERS-SCHONBERG DISEASE, AUTOSOMAL RECESSIVE; TCIRG1-Related Autosomal Recessive Osteopetrosis; TCIRG1-Related Osteopetrosis. Identifiers: Orphanet 667, MedGen C1850127, MONDO:0009815, OMIM 259700.

Allele frequency attached by ClinVar (database versions not stated): ExAC 0.00002; gnomAD exomes 0.00002; TOPMed 0.00002; gnomAD 0.00003.
gnomAD v4.1: 76 of 1,608,478 alleles (0.0047%); highest among the groups gnomAD compares: Non-Finnish European, 0.0057%; no homozygotes.

Submissions (3):

Labcorp Genetics (formerly Invitae), Labcorp
Classification: Uncertain significance. Last evaluated: 2025-03-18. Review status: criteria provided, single submitter. Criteria: Invitae Variant Classification Sherloc (09022015). Collection method: clinical testing. Allele origin: germline.
Comment: This sequence change replaces arginine, which is basic and polar, with histidine, which is basic and polar, at codon 351 of the TCIRG1 protein (p.Arg351His). The frequency data for this variant in the population databases is considered unreliable, as metrics indicate poor data quality at this position in the gnomAD database. This variant has not been reported in the literature in individuals affected with TCIRG1-related conditions. ClinVar contains an entry for this variant (Variation ID: 634484). Invitae Evidence Modeling of protein sequence and biophysical properties (such as structural, functional, and spatial information, amino acid conservation, physicochemical variation, residue mobility, and thermodynamic stability) indicates that this missense variant is not expected to disrupt TCIRG1 protein function with a negative predictive value of 80%. In summary, the available evidence is currently insufficient to determine the role of this variant in disease. Therefore, it has been classified as a Variant of Uncertain Significance.

Ambry Genetics
Classification: Uncertain significance for Inborn genetic diseases. Last evaluated: 2023-04-26. Review status: criteria provided, single submitter. Criteria: Ambry Variant Classification Scheme 2023. Collection method: clinical testing. Allele origin: germline.

Genomic Research Center, Shahid Beheshti University of Medical Sciences
Classification: Uncertain significance for Osteopetrosis autosomal recessive 1. Last evaluated: 2019-01-01. Review status: criteria provided, single submitter. Criteria: ACMG Guidelines, 2015. Collection method: clinical testing. Allele origin: inherited. Affected: yes. Observed: 1 variant allele.